The following is an entry in ClinVar:

ClinVar aggregate classification (germline): Uncertain significance (1 of 4 stars; one submission).

Allele frequency attached by ClinVar (database versions not stated): gnomAD exomes below 0.00001.

Submission:

GeneDx
Classification: Uncertain significance. Last evaluated: 2022-04-27. Review status: criteria provided, single submitter. Criteria: GeneDx Variant Classification Process June 2021. Collection method: clinical testing. Allele origin: germline. Affected: yes.
Comment: Not observed at significant frequency in large population cohorts (gnomAD); In silico analysis supports that this missense variant does not alter protein structure/function; Has not been previously published as pathogenic or benign to our knowledge

NM_001252102.2(KIF21B):c.2663C>T (p.Thr888Ile)

Gene: KIF21B (kinesin family member 21B; minus strand). Cytogenetic location: 1q32.1.
Variant type: single nucleotide variant.
Coding change: c.2663C>T on transcript NM_001252102.2 (MANE Select); coding-DNA position 2663, C replaced by T.
Protein change: p.Thr888Ile; replaces threonine 888 with isoleucine.
Molecular consequence: missense variant.
Genome position (GRCh38, 1-based): chr1:200,990,941, G>A on the plus strand (C>T on the coding strand, the complement: KIF21B is on the minus strand). VCF-style: chr1-200990941-G-A. GRCh37 (hg19) VCF-style: chr1-200960069-G-A.
Other names: c.2663C>T, p.Thr888Ile (NM_001252100.2, NM_001252103.2, NM_017596.4); short protein forms T888I.
Identifiers: ClinVar variation 1722886 (VCV001722886.2), dbSNP rs2465168934, ClinGen allele CA344137324.